The following is an entry in ClinVar:

ClinVar aggregate classification (germline): Uncertain significance (1 of 4 stars; one submission).

Allele frequency attached by ClinVar (database versions not stated): gnomAD exomes below 0.00001; ExAC 0.00002.
gnomAD v4.1: 1 of 1,206,436 alleles (0.000083%); highest among the groups gnomAD compares: Non-Finnish European, 0.00011%; no homozygotes.

Submission:

Labcorp Genetics (formerly Invitae), Labcorp
Classification: Uncertain significance. Last evaluated: 2023-02-14. Review status: criteria provided, single submitter. Criteria: Invitae Variant Classification Sherloc (09022015). Collection method: clinical testing. Allele origin: germline.
Comment: This sequence change replaces methionine, which is neutral and non-polar, with threonine, which is neutral and polar, at codon 421 of the MSN protein (p.Met421Thr). This variant is present in population databases (rs748066778, gnomAD 0.004%). This variant has not been reported in the literature in individuals affected with MSN-related conditions. Algorithms developed to predict the effect of missense changes on protein structure and function (SIFT, PolyPhen-2, Align-GVGD) all suggest that this variant is likely to be tolerated. In summary, the available evidence is currently insufficient to determine the role of this variant in disease. Therefore, it has been classified as a Variant of Uncertain Significance.

NM_002444.3(MSN):c.1262T>C (p.Met421Thr)

Gene: MSN (moesin; plus strand). Cytogenetic location: Xq12.
Variant type: single nucleotide variant.
Coding change: c.1262T>C on transcript NM_002444.3 (MANE Select); coding-DNA position 1262, T replaced by C.
Protein change: p.Met421Thr; replaces methionine 421 with threonine.
Molecular consequence: missense variant.
Genome position (GRCh38, 1-based): chrX:65,738,535, T>C. VCF-style: chrX-65738535-T-C. GRCh37 (hg19) VCF-style: chrX-64958397-T-C.
Other names: short protein forms M421T.
Identifiers: ClinVar variation 2780759 (VCV002780759.3), dbSNP rs748066778, ClinGen allele CA10434653.